The following is an entry in ClinVar:

ClinVar aggregate classification (germline): Conflicting classifications of pathogenicity. Review status: criteria provided, conflicting classifications (1 of 4 stars). 2 submissions from 2 submitters: Pathogenic (1); Uncertain significance (1). Last evaluated 2025-09-02.

Conditions:
Benign neonatal seizures. Also called: Benign familial neonatal seizures; Benign neonatal familial convulsions; Benign familial neonatal epilepsy; Convulsions benign familial neonatal dominant form; Autosomal dominant form of benign neonatal seizures. Identifiers: Orphanet 1949, MedGen C0220669, MONDO:0016027.

Submissions (2):

Labcorp Genetics (formerly Invitae), Labcorp
Classification: Pathogenic for Benign neonatal seizures. Last evaluated: 2025-09-02. Review status: criteria provided, single submitter. Criteria: Invitae Variant Classification Sherloc (09022015). Collection method: clinical testing. Allele origin: germline.
Comment: This sequence change creates a premature translational stop signal (p.Tyr541Thrfs*3) in the KCNQ3 gene. It is expected to result in an absent or disrupted protein product. Loss-of-function variants in KCNQ3 are known to be pathogenic (PMID: 29383681, 29852413). This variant is not present in population databases (gnomAD no frequency). This variant has not been reported in the literature in individuals affected with KCNQ3-related conditions. ClinVar contains an entry for this variant (Variation ID: 1305361). For these reasons, this variant has been classified as Pathogenic.

GeneDx
Classification: Uncertain significance. Last evaluated: 2019-04-24. Review status: criteria provided, single submitter. Criteria: GeneDx Variant Classification Process June 2021. Collection method: clinical testing. Allele origin: germline. Affected: yes.
Comment: Not observed in large population cohorts (Lek et al., 2016); Frameshift variant predicted to result in protein truncation or nonsense mediated decay in a gene for which loss-of-function is not a well known mechanism of disease; Has not been previously published as pathogenic or benign to our knowledge

Literature cited by the submitters: PubMed 29383681 (cited by Labcorp Genetics (formerly Invitae), Labcorp); PubMed 29852413 (cited by Labcorp Genetics (formerly Invitae), Labcorp).

NM_004519.4(KCNQ3):c.1621del (p.Tyr541fs)

Gene: KCNQ3 (potassium voltage-gated channel subfamily Q member 3; minus strand). Cytogenetic location: 8q24.22.
Variant type: Deletion.
Coding change: c.1621del on transcript NM_004519.4 (MANE Select); coding-DNA position 1621, one base deleted (T; older notation c.1621delT).
Protein change: p.Tyr541fs; shifts the reading frame from tyrosine 541.
Molecular consequence: frameshift variant.
Genome position (GRCh38, 1-based): chr8:132,137,964, A deleted on the plus strand (T on the coding strand, the reverse complement: KCNQ3 is on the minus strand); the first of 2 consecutive A bases (chr8:132,137,964-132,137,965); deleting either gives the same sequence. VCF-style (leftmost placement, unchanged base first): chr8-132137963-TA-T. GRCh37 (hg19) VCF-style: chr8-133150210-TA-T.
Other names: c.1261del, p.Tyr421fs (NM_001204824.2); short protein forms Y421fs, Y541fs.
Identifiers: ClinVar variation 1305361 (VCV001305361.5), dbSNP rs2130938733, ClinGen allele CA2573052970.